The following is an entry in ClinVar:

NM_138694.4(PKHD1):c.337G>T (p.Gly113Ter)

Gene: PKHD1 (PKHD1 ciliary IPT domain containing fibrocystin/polyductin; minus strand). Cytogenetic location: 6p12.2.
Variant type: single nucleotide variant.
Coding change: c.337G>T on transcript NM_138694.4 (MANE Select); coding-DNA position 337, G replaced by T.
Protein change: p.Gly113Ter; replaces glycine 113 with a stop codon.
Molecular consequence: nonsense.
Genome position (GRCh38, 1-based): chr6:52,079,953, C>A on the plus strand (G>T on the coding strand, the complement: PKHD1 is on the minus strand). VCF-style: chr6-52079953-C-A. GRCh37 (hg19) VCF-style: chr6-51944751-C-A.
Other names: c.337G>T, p.Gly113Ter (NM_170724.3); short protein forms G113*.
Identifiers: ClinVar variation 1416438 (VCV001416438.7), dbSNP rs2128240429, ClinGen allele CA364439603.

ClinVar aggregate classification (germline): Pathogenic. Review status: criteria provided, multiple submitters, no conflicts (2 of 4 stars). 2 submissions from 2 submitters: Pathogenic (2). Last evaluated 2024-05-08.

Conditions:
Polycystic kidney disease 4 (PKD4). Also called: POLYCYSTIC KIDNEY DISEASE 4 WITH OR WITHOUT POLYCYSTIC LIVER DISEASE; Autosomal Recessive Polycystic Kidney Disease – PKHD1; PKD3; POLYCYSTIC KIDNEY AND HEPATIC DISEASE 1; POLYCYSTIC KIDNEY DISEASE, INFANTILE, TYPE I. Identifiers: MedGen C4540575, MONDO:0033004, OMIM 263200.
Autosomal recessive polycystic kidney disease (ARPKD). Also called: AR polycystic kidney disease. Identifiers: Orphanet 731, Orphanet 8378, MedGen C0085548, MeSH D017044, MONDO:0009889.

Submissions (2):

Myriad Genetics, Inc.
Classification: Pathogenic for Polycystic kidney disease 4. Last evaluated: 2024-05-08. Review status: criteria provided, single submitter. Criteria: Myriad Autosomal Dominant, Autosomal Recessive and X-Linked Classification Criteria (2023). Collection method: clinical testing. Allele origin: unknown.
Comment: NM_138694.3(PKHD1):c.337G>T(G113*) is expected to be pathogenic in the context of autosomal recessive polycystic kidney disease, PKHD1-related. This variant is predicted to lead to an abnormal or absent protein product due to the creation of a premature termination codon in PKHD1, a gene where loss-of-function variants are known to be pathogenic. Please note: this variant was assessed in the context of healthy population screening.

Labcorp Genetics (formerly Invitae), Labcorp
Classification: Pathogenic for Autosomal recessive polycystic kidney disease. Last evaluated: 2021-07-15. Review status: criteria provided, single submitter. Criteria: Invitae Variant Classification Sherloc (09022015). Collection method: clinical testing. Allele origin: germline.
Comment: This sequence change creates a premature translational stop signal (p.Gly113*) in the PKHD1 gene. It is expected to result in an absent or disrupted protein product. Loss-of-function variants in PKHD1 are known to be pathogenic (PMID: 19940839). This variant is not present in population databases (ExAC no frequency). This variant has not been reported in the literature in individuals affected with PKHD1-related conditions. Algorithms developed to predict the effect of sequence changes on RNA splicing suggest that this variant may create or strengthen a splice site. For these reasons, this variant has been classified as Pathogenic.

Literature cited by the submitters: PubMed 19940839 (cited by Labcorp Genetics (formerly Invitae), Labcorp).